The following is an entry in ClinVar:

NM_003803.4(MYOM1):c.4568C>T (p.Pro1523Leu)

Gene: MYOM1 (myomesin 1; minus strand). Cytogenetic location: 18p11.31.
Variant type: single nucleotide variant.
Coding change: c.4568C>T on transcript NM_003803.4 (MANE Select); coding-DNA position 4568, C replaced by T.
Protein change: p.Pro1523Leu; replaces proline 1523 with leucine.
Molecular consequence: missense variant.
Genome position (GRCh38, 1-based): chr18:3,079,259, G>A on the plus strand (C>T on the coding strand, the complement: MYOM1 is on the minus strand). VCF-style: chr18-3079259-G-A. GRCh37 (hg19) VCF-style: chr18-3079257-G-A.
Other names: c.4280C>T, p.Pro1427Leu (NM_019856.2); short protein forms P1523L, P1427L.
Identifiers: ClinVar variation 239576 (VCV000239576.8), dbSNP rs761317710, ClinGen allele CA8873903.

ClinVar aggregate classification (germline): Uncertain significance (1 of 4 stars; one submission).

Conditions:
Hypertrophic cardiomyopathy. Also called: HYPERTROPHIC MYOCARDIOPATHY. Identifiers: Orphanet 217569, MedGen C0007194, MeSH D002312, MONDO:0005045, HP:0001639.

Allele frequency attached by ClinVar (database versions not stated): gnomAD 0.00001 and 0.00002; ExAC 0.00004; TOPMed 0.00004.
gnomAD v4.1: 49 of 1,613,690 alleles (0.003%); highest among the groups gnomAD compares: Admixed American, 0.005%; no homozygotes.

Submission:

Labcorp Genetics (formerly Invitae), Labcorp
Classification: Uncertain significance for Hypertrophic cardiomyopathy. Last evaluated: 2026-02-02. Review status: criteria provided, single submitter. Criteria: Invitae Variant Classification Sherloc (09022015). Collection method: clinical testing. Allele origin: germline.
Comment: This sequence change replaces proline, which is neutral and non-polar, with leucine, which is neutral and non-polar, at codon 1523 of the MYOM1 protein (p.Pro1523Leu). This variant is present in population databases (rs761317710, gnomAD 0.02%). This variant has not been reported in the literature in individuals affected with MYOM1-related conditions. ClinVar contains an entry for this variant (Variation ID: 239576). Invitae Evidence Modeling of protein sequence and biophysical properties (such as structural, functional, and spatial information, amino acid conservation, physicochemical variation, residue mobility, and thermodynamic stability) indicates that this missense variant is not expected to disrupt MYOM1 protein function with a negative predictive value of 80%. In summary, the available evidence is currently insufficient to determine the role of this variant in disease. Therefore, it has been classified as a Variant of Uncertain Significance.